The following is an entry in ClinVar:

NM_001655.5(ARCN1):c.472G>C (p.Glu158Gln)

Gene: ARCN1 (archain 1 coat protein complex I subunit delta; plus strand). Cytogenetic location: 11q23.3.
Variant type: single nucleotide variant.
Coding change: c.472G>C on transcript NM_001655.5 (MANE Select); coding-DNA position 472, G replaced by C.
Protein change: p.Glu158Gln; replaces glutamic acid 158 with glutamine.
Molecular consequence: missense variant.
Genome position (GRCh38, 1-based): chr11:118,583,833, G>C. VCF-style: chr11-118583833-G-C. GRCh37 (hg19) VCF-style: chr11-118454548-G-C.
Other names: c.208G>C, p.Glu70Gln (NM_001142281.2); short protein forms E70Q, E158Q.
Identifiers: ClinVar variation 1381949 (VCV001381949.7), dbSNP rs374528659, ClinGen allele CA6306080.

ClinVar aggregate classification (germline): Conflicting classifications of pathogenicity. Review status: criteria provided, conflicting classifications (1 of 4 stars). 2 submissions from 2 submitters: Uncertain significance (1); Likely benign (1). Last evaluated 2026-06-29.

Allele frequency attached by ClinVar (database versions not stated): ExAC 0.00002; TOPMed 0.00002; gnomAD 0.00001; gnomAD exomes 0.00002 and 0.00001; ESP Exome Variant Server 0.00008.
gnomAD v4.1: 28 of 1,614,074 alleles (0.0017%); highest among the groups gnomAD compares: Non-Finnish European, 0.0022%; no homozygotes.

Submissions (2):

Women's Health and Genetics/Laboratory Corporation of America, LabCorp
Classification: Uncertain significance. Last evaluated: 2026-06-29. Review status: criteria provided, single submitter. Criteria: LabCorp Variant Classification Summary - May 2015. Collection method: clinical testing. Allele origin: germline.
Comment: Variant summary: ARCN1 c.472G>C (p.Glu158Gln) results in a conservative amino acid change in the encoded protein sequence. Algorithms developed to predict the effect of missense changes on protein structure and function are either unavailable or do not agree on the potential impact of this missense change. The variant allele was found at a frequency of 8e-06 in 251420 control chromosomes. The available data on variant occurrences in the general population are insufficient to allow any conclusion about variant significance. To our knowledge, no occurrence of c.472G>C in individuals affected with ARCN1-related conditions and no experimental evidence demonstrating its impact on protein function have been reported. ClinVar contains an entry for this variant (Variation ID: 1381949). Based on the evidence outlined above, the variant was classified as uncertain significance.

Labcorp Genetics (formerly Invitae), Labcorp
Classification: Likely benign. Last evaluated: 2025-07-21. Review status: criteria provided, single submitter. Criteria: Invitae Variant Classification Sherloc (09022015). Collection method: clinical testing. Allele origin: germline.